The following is an entry in ClinVar:

ClinVar aggregate classification (germline): Uncertain significance (1 of 4 stars; one submission).

Conditions:
Generalized epilepsy-paroxysmal dyskinesia syndrome (PNKD3). Also called: Generalized epilepsy and paroxysmal dyskinesia; Paroxysmal nonkinesigenic dyskinesia, 3, with or without generalized epilepsy. Identifiers: Orphanet 79137, MedGen C5574945, MONDO:0012276, OMIM 609446.

Submission:

Labcorp Genetics (formerly Invitae), Labcorp
Classification: Uncertain significance for Generalized epilepsy-paroxysmal dyskinesia syndrome. Last evaluated: 2024-04-15. Review status: criteria provided, single submitter. Criteria: Invitae Variant Classification Sherloc (09022015). Collection method: clinical testing. Allele origin: germline.
Comment: This sequence change replaces tryptophan, which is neutral and slightly polar, with cysteine, which is neutral and slightly polar, at codon 589 of the KCNMA1 protein (p.Trp589Cys). This variant is not present in population databases (gnomAD no frequency). This variant has not been reported in the literature in individuals affected with KCNMA1-related conditions. Advanced modeling of protein sequence and biophysical properties (such as structural, functional, and spatial information, amino acid conservation, physicochemical variation, residue mobility, and thermodynamic stability) performed at Invitae indicates that this missense variant is expected to disrupt KCNMA1 protein function with a positive predictive value of 80%. In summary, the available evidence is currently insufficient to determine the role of this variant in disease. Therefore, it has been classified as a Variant of Uncertain Significance.

NM_001161352.2(KCNMA1):c.1767G>T (p.Trp589Cys)

Gene: KCNMA1 (potassium calcium-activated channel subfamily M alpha 1; minus strand). Cytogenetic location: 10q22.3.
Variant type: single nucleotide variant.
Coding change: c.1767G>T on transcript NM_001161352.2 (MANE Select); coding-DNA position 1767, G replaced by T.
Protein change: p.Trp589Cys; replaces tryptophan 589 with cysteine.
Molecular consequence: missense variant.
Genome position (GRCh38, 1-based): chr10:77,039,620, C>A on the plus strand (G>T on the coding strand, the complement: KCNMA1 is on the minus strand). VCF-style: chr10-77039620-C-A. GRCh37 (hg19) VCF-style: chr10-78799378-C-A.
Other names: c.1767G>T, p.Trp589Cys (NM_001014797.3, NM_001161353.2, NM_001271519.2 and 8 more transcripts); c.1605G>T, p.Trp535Cys (NM_001271518.2); c.1227G>T, p.Trp409Cys (NM_001322838.2); short protein forms W409C, W535C, W589C.
Identifiers: ClinVar variation 3649909 (VCV003649909.2).